The following is an entry in ClinVar:

NM_001378454.1(ALMS1):c.10377T>A (p.Asn3459Lys)

Gene: ALMS1 (ALMS1 centrosome and basal body associated protein; plus strand). Cytogenetic location: 2p13.1.
Variant type: single nucleotide variant.
Coding change: c.10377T>A on transcript NM_001378454.1 (MANE Select); coding-DNA position 10377, T replaced by A.
Protein change: p.Asn3459Lys; replaces asparagine 3459 with lysine.
Molecular consequence: missense variant.
Genome position (GRCh38, 1-based): chr2:73,559,135, T>A. VCF-style: chr2-73559135-T-A. GRCh37 (hg19) VCF-style: chr2-73786262-T-A.
Other names: c.10380T>A, p.Asn3460Lys (NM_015120.4); short protein forms N3459K, N3460K.
Identifiers: ClinVar variation 1472945 (VCV001472945.3), dbSNP rs2104064364, ClinGen allele CA347278349.
Genomic context (GRCh38, chr2:73,559,135, plus strand): 5'-TAGGAAGAAGACAGTTCCCGAGGAAGCCTGGCCAAACAATAAAGAATCCCTACAGATCAA[T>A]ATTGAAGGTAATGGGATTGGGTTGTGTATGAGTGTGTGTGTCTTTGTGTGTATGTGAGGG-3'
Protein context (NP_001365383.1, residues 3449-3469): WPNNKESLQI[Asn3459Lys]IEESECHSEF

ClinVar aggregate classification (germline): Uncertain significance (1 of 4 stars; one submission).

Conditions:
Alstrom syndrome (ALMS). Identifiers: Orphanet 64, MedGen C0268425, MONDO:0008763, OMIM 203800.

Submission:

Labcorp Genetics (formerly Invitae), Labcorp
Classification: Uncertain significance for Alstrom syndrome. Last evaluated: 2022-05-07. Review status: criteria provided, single submitter. Criteria: Invitae Variant Classification Sherloc (09022015). Collection method: clinical testing. Allele origin: germline.
Comment: This sequence change replaces asparagine, which is neutral and polar, with lysine, which is basic and polar, at codon 3460 of the ALMS1 protein (p.Asn3460Lys). This variant is not present in population databases (gnomAD no frequency). This variant has not been reported in the literature in individuals affected with ALMS1-related conditions. Experimental studies and prediction algorithms are not available or were not evaluated, and the functional significance of this variant is currently unknown. In summary, the available evidence is currently insufficient to determine the role of this variant in disease. Therefore, it has been classified as a Variant of Uncertain Significance.